The following is an entry in ClinVar:

NM_004064.5(CDKN1B):c.205C>T (p.Pro69Ser)

Gene: CDKN1B (cyclin dependent kinase inhibitor 1B; plus strand). Cytogenetic location: 12p13.1.
Variant type: single nucleotide variant.
Coding change: c.205C>T on transcript NM_004064.5 (MANE Select); coding-DNA position 205, C replaced by T.
Protein change: p.Pro69Ser; replaces proline 69 with serine.
Molecular consequence: missense variant.
Genome position (GRCh38, 1-based): chr12:12,718,044, C>T. VCF-style: chr12-12718044-C-T. GRCh37 (hg19) VCF-style: chr12-12870978-C-T.
Other names: short protein forms P69S.
Identifiers: ClinVar variation 864336 (VCV000864336.11), dbSNP rs1388968180, ClinGen allele CA383969508.

ClinVar aggregate classification (germline): Uncertain significance. Review status: criteria provided, multiple submitters, no conflicts (2 of 4 stars). 2 submissions from 2 submitters: Uncertain significance (2). Last evaluated 2025-04-28.

Conditions:
Hereditary cancer-predisposing syndrome. Also called: Tumor predisposition; Hereditary Cancer Syndrome; Neoplastic Syndromes, Hereditary; Hereditary neoplastic syndrome. Identifiers: Orphanet 140162, MedGen C0027672, MeSH D009386, MONDO:0015356.
Multiple endocrine neoplasia type 4. Also called: MULTIPLE ENDOCRINE NEOPLASIA, TYPE IV. Identifiers: Orphanet 276152, MedGen C1970712, MONDO:0012552, OMIM 610755.

Allele frequency attached by ClinVar (database versions not stated): gnomAD exomes below 0.00001.

Submissions (2):

Labcorp Genetics (formerly Invitae), Labcorp
Classification: Uncertain significance for Multiple endocrine neoplasia type 4. Last evaluated: 2025-04-28. Review status: criteria provided, single submitter. Criteria: Invitae Variant Classification Sherloc (09022015). Collection method: clinical testing. Allele origin: germline.
Comment: This sequence change replaces proline, which is neutral and non-polar, with serine, which is neutral and polar, at codon 69 of the CDKN1B protein (p.Pro69Ser). This variant is present in population databases (no rsID available, gnomAD 0.004%). This variant has not been reported in the literature in individuals affected with CDKN1B-related conditions. ClinVar contains an entry for this variant (Variation ID: 864336). An algorithm developed to predict the effect of missense changes on protein structure and function (PolyPhen-2) suggests that this variant is likely to be disruptive. In summary, the available evidence is currently insufficient to determine the role of this variant in disease. Therefore, it has been classified as a Variant of Uncertain Significance.

Ambry Genetics
Classification: Uncertain significance for Hereditary cancer-predisposing syndrome. Last evaluated: 2024-11-26. Review status: criteria provided, single submitter. Criteria: Ambry Variant Classification Scheme 2023. Collection method: clinical testing. Allele origin: germline.
Comment: The p.P69S variant (also known as c.205C>T), located in coding exon 1 of the CDKN1B gene, results from a C to T substitution at nucleotide position 205. The proline at codon 69 is replaced by serine, an amino acid with similar properties. This amino acid position is highly conserved in available vertebrate species. In addition, this alteration is predicted to be deleterious by in silico analysis. Based on the available evidence, the clinical significance of this variant remains unclear.